The following is an entry in ClinVar:

NM_001178020.3(BEAN1):c.218GCCACCACC[1] (p.73RHH[1])

Genes: BEAN1 (brain expressed associated with NEDD4 1; plus strand), BEAN1-AS1 (BEAN1 antisense RNA 1; minus strand). Cytogenetic location: 16q21.
Variant type: Microsatellite.
Coding change: c.218GCCACCACC[1] on transcript NM_001178020.3 (MANE Select); one copy of the 9-base unit GCCACCACC starting at c.218; the reference has two copies in a row; one copy, 9 bases deleted.
Protein change: p.73RHH[1].
Molecular consequence: 5 prime UTR variant (on NM_001136106.5).
Genome position (GRCh38, 1-based): chr16:66,469,803-66,469,811, GCCACCACC deleted; deleting any 9 consecutive bases within chr16:66,469,789-66,469,811 gives the same sequence; the position shown is the placement nearest the transcript's 3' end. VCF-style (leftmost placement, unchanged base first): chr16-66469788-GCCACCGCCA-G. GRCh37 (hg19) VCF-style: chr16-66503691-GCCACCGCCA-G.
Other names: c.-110GCCACCACC[1] (NM_001136106.5, NM_001197224.4).
Identifiers: ClinVar variation 3053333 (VCV003053333.20), dbSNP rs564817056, ClinGen allele CA8093394.
Genomic context (GRCh38, chr16:66,469,788, plus strand): 5'-GCATCACCATCATTGTGGGCAGCATCCGCAGGGACAGGCAGGCCCGGCTTCAGCGGCACC[GCCACCGCCA>G]CCACCGCCACCACCACCACCATCATCACCACCGCCGGCGTCGACACCGAGAGTACGAGCA-3'

ClinVar aggregate classification (germline): Benign. Review status: criteria provided, single submitter (1 of 4 stars). 2 submissions from 2 submitters: Benign (1). 1 of the submissions does not count toward it. Last evaluated 2024-05-01.

Conditions:
BEAN1-related disorder. Also called: BEAN1-related condition.

Submissions (2):

CeGaT Center for Human Genetics Tuebingen
Classification: Benign. Last evaluated: 2024-05-01. Review status: criteria provided, single submitter. Criteria: CeGaT Center For Human Genetics Tuebingen Variant Classification Criteria Version 2. Collection method: clinical testing. Allele origin: germline. Affected: yes. Observed: 1 variant allele.
Comment: BEAN1: BS1, BS2

PreventionGenetics, part of Exact Sciences
Classification: Likely benign for BEAN1-related condition. Last evaluated: 2019-08-22. Review status: no assertion criteria provided. Collection method: clinical testing. Allele origin: germline. Not counted in ClinVar's aggregate classification.
Comment: This variant is classified as likely benign based on ACMG/AMP sequence variant interpretation guidelines (Richards et al. 2015 PMID: 25741868, with internal and published modifications).